The following is an entry in ClinVar:

NM_001366145.2(TRPM3):c.1766A>C (p.Lys589Thr)

Gene: TRPM3 (transient receptor potential cation channel subfamily M member 3; minus strand). Cytogenetic location: 9q21.12.
Variant type: single nucleotide variant.
Coding change: c.1766A>C on transcript NM_001366145.2 (MANE Select); coding-DNA position 1766, A replaced by C.
Protein change: p.Lys589Thr; replaces lysine 589 with threonine.
Molecular consequence: missense variant.
Genome position (GRCh38, 1-based): chr9:70,625,234, T>G on the plus strand (A>C on the coding strand, the complement: TRPM3 is on the minus strand). VCF-style: chr9-70625234-T-G. GRCh37 (hg19) VCF-style: chr9-73240150-T-G.
Other names: c.1730A>C, p.Lys577Thr (NM_001007471.4, NM_001366150.2, NM_001366151.2); c.1736A>C, p.Lys579Thr (NM_001366141.2, NM_001366143.2); c.1772A>C, p.Lys591Thr (NM_001366142.2); c.1766A>C, p.Lys589Thr (NM_001366146.2, NM_001366149.2); c.1841A>C, p.Lys614Thr (NM_001366147.2, NM_001366148.2, NM_001366152.2); c.1307A>C, p.Lys436Thr (NM_001366154.2, NM_024971.7, NM_206945.5); c.1271A>C, p.Lys424Thr (NM_020952.6, NM_206944.5); c.1346A>C, p.Lys449Thr (NM_206946.5, NM_206947.5); short protein forms K424T, K436T, K449T, K577T, K579T, K589T, K591T, K614T.
Identifiers: ClinVar variation 1804234 (VCV001804234.1), dbSNP rs1358279099, ClinGen allele CA373560538.

ClinVar aggregate classification (germline): Uncertain significance (1 of 4 stars; one submission).

Submission:

GeneDx
Classification: Uncertain significance. Last evaluated: 2022-06-16. Review status: criteria provided, single submitter. Criteria: GeneDx Variant Classification Process June 2021. Collection method: clinical testing. Allele origin: germline. Affected: yes.
Comment: Not observed at significant frequency in large population cohorts (gnomAD); In silico analysis supports that this missense variant has a deleterious effect on protein structure/function; Has not been previously published as pathogenic or benign to our knowledge